The following is an entry in ClinVar:

ClinVar aggregate classification (germline): Conflicting classifications of pathogenicity. Review status: criteria provided, conflicting classifications (1 of 4 stars). 11 submissions from 11 submitters: Uncertain significance (10); Likely benign (1). Last evaluated 2026-05-01.

Conditions:
Renal cell carcinoma. Identifiers: Orphanet 217071, MedGen C0007134, MeSH D002292, MONDO:0005086, HP:0005584.
Osteofibrous dysplasia (OSFD). Also called: Tibia, bowing of, with pseudarthrosis and pectus excavatum. Identifiers: Orphanet 488265, MedGen C4085248, MONDO:0011806, OMIM 607278.
Papillary renal cell carcinoma type 1 (RCCP1). Also called: Renal adenocarcinoma; Renal cell carcinoma 1; Renal cell carcinoma, somatic; RENAL CELL CARCINOMA, PAPILLARY, 1, SOMATIC. Identifiers: Orphanet 47044, MedGen C1336839, OMIM 605074, HP:0011797.
Autosomal recessive nonsyndromic hearing loss 97. Also called: Deafness, autosomal recessive 97. Identifiers: Orphanet 90636, MedGen C4084709, MONDO:0014739, OMIM 616705.
Hepatocellular carcinoma (HCC). Also called: Primary carcinoma of liver; HEPATOMA; LIVER CELL CARCINOMA. Identifiers: Orphanet 88673, MedGen C2239176, MONDO:0007256, OMIM 114550, HP:0001402.
MET-related disorder. Also called: MET-related condition.
Hereditary cancer-predisposing syndrome. Also called: Tumor predisposition; Hereditary Cancer Syndrome; Hereditary neoplastic syndrome; Neoplastic Syndromes, Hereditary. Identifiers: Orphanet 140162, MedGen C0027672, MeSH D009386, MONDO:0015356.

Allele frequency attached by ClinVar (database versions not stated): gnomAD 0.00001 and 0.00003; TOPMed 0.00003.
gnomAD v4.1: 56 of 1,614,006 alleles (0.0035%); highest among the groups gnomAD compares: Admixed American, 0.0083%; no homozygotes.

Submissions (11):

CeGaT Center for Human Genetics Tuebingen
Classification: Uncertain significance. Last evaluated: 2026-05-01. Review status: criteria provided, single submitter. Criteria: CeGaT Center For Human Genetics Tuebingen Variant Classification Criteria Version 2. Collection method: clinical testing. Allele origin: germline. Affected: yes. Observed: 1 variant allele.
Comment: MET: PM2, BP4

Labcorp Genetics (formerly Invitae), Labcorp
Classification: Uncertain significance for Renal cell carcinoma. Last evaluated: 2026-01-04. Review status: criteria provided, single submitter. Criteria: Invitae Variant Classification Sherloc (09022015). Collection method: clinical testing. Allele origin: germline.
Comment: This sequence change replaces glutamic acid, which is acidic and polar, with aspartic acid, which is acidic and polar, at codon 254 of the MET protein (p.Glu254Asp). This variant is present in population databases (rs760278126, gnomAD 0.003%). This variant has not been reported in the literature in individuals affected with MET-related conditions. ClinVar contains an entry for this variant (Variation ID: 568449). Invitae Evidence Modeling of protein sequence and biophysical properties (such as structural, functional, and spatial information, amino acid conservation, physicochemical variation, residue mobility, and thermodynamic stability) indicates that this missense variant is expected to disrupt MET protein function with a positive predictive value of 80%. In summary, the available evidence is currently insufficient to determine the role of this variant in disease. Therefore, it has been classified as a Variant of Uncertain Significance.

PreventionGenetics, part of Exact Sciences
Classification: Uncertain significance for MET-related condition. Last evaluated: 2025-04-03. Review status: criteria provided, single submitter. Criteria: ACMG Guidelines, 2015. Collection method: clinical testing. Allele origin: germline.
Comment: The MET c.762A>C variant is predicted to result in the amino acid substitution p.Glu254Asp. To our knowledge, this variant has not been reported in the literature. This variant is reported in 0.0029% of alleles in individuals of Latino descent in gnomAD. Multiple laboratories in ClinVar interpret this variant as uncertain. At this time, the clinical significance of this variant is uncertain due to the absence of conclusive functional and genetic evidence.

Center for Genomic Medicine, Rigshospitalet, Copenhagen University Hospital
Classification: Uncertain significance. Last evaluated: 2025-03-04. Review status: criteria provided, single submitter. Criteria: ACMG Guidelines, 2015. Collection method: clinical testing. Allele origin: germline.

Quest Diagnostics Nichols Institute San Juan Capistrano
Classification: Uncertain significance. Last evaluated: 2024-09-07. Review status: criteria provided, single submitter. Criteria: Quest Diagnostics criteria. Collection method: clinical testing. Allele origin: unknown.
Comment: The MET c.762A>C (p.Glu254Asp) variant has not been reported in individuals with MET-related conditions in the published literature. The frequency of this variant in the general population, 0.000016 (4/249344 chromosomes (Genome Aggregation Database)), is uninformative in the assessment of its pathogenicity. Analysis of this variant using bioinformatics tools for the prediction of the effect of amino acid changes on protein structure and function yielded predictions that this variant is benign. Based on the available information, we are unable to determine the clinical significance of this variant.

Baylor Genetics
Classification: Uncertain significance for Autosomal recessive nonsyndromic hearing loss 97. Last evaluated: 2024-03-14. Review status: criteria provided, single submitter. Criteria: ACMG Guidelines, 2015. Collection method: clinical testing. Allele origin: unknown.

Ambry Genetics
Classification: Likely benign for Hereditary cancer-predisposing syndrome. Last evaluated: 2023-12-05. Review status: criteria provided, single submitter. Criteria: Ambry Variant Classification Scheme 2023. Collection method: clinical testing. Allele origin: germline.

St. Jude Molecular Pathology, St. Jude Children's Research Hospital
Classification: Uncertain significance for Papillary renal cell carcinoma type 1. Last evaluated: 2022-07-03. Review status: criteria provided, single submitter. Criteria: St. Jude Assertion Criteria 2020. Collection method: clinical testing. Allele origin: germline.
Comment: The MET c.762A>C (p.Glu254Asp) missense change is absent in gnomAD v2.1.1. The in silico tool REVEL predicts a benign effect on protein function, but to our knowledge this prediction has not been confirmed by functional studies. To our knowledge, this variant has not been reported in the literature in individuals with hereditary papillary renal cell carcinoma. In summary, the evidence currently available is insufficient to determine the clinical significance of this variant. It has therefore been classified as of uncertain significance.

GeneDx
Classification: Uncertain significance. Last evaluated: 2021-12-14. Review status: criteria provided, single submitter. Criteria: GeneDx Variant Classification Process June 2021. Collection method: clinical testing. Allele origin: germline. Affected: yes.
Comment: Not observed at significant frequency in large population cohorts (Lek et al., 2016); In silico analysis supports that this missense variant does not alter protein structure/function; Has not been previously published as pathogenic or benign to our knowledge

Sema4
Classification: Uncertain significance for Hereditary cancer-predisposing syndrome. Last evaluated: 2021-12-13. Review status: criteria provided, single submitter. Criteria: Sema4 Curation Guidelines. Collection method: curation. Allele origin: germline.
Comment: The MET c.762A>C (p.E254D) variant has not been reported in the literature to our knowledge. This variant was observed in 1/34520 chromosomes of the Latino/Admixed American subpopulation according to the Genome Aggregation Database (PMID: 32461654).This variant has been reported in ClinVar (Variation ID: 568449). In silico tools suggest the impact of the variant on protein function is benign, though these predictions have not been confirmed by functional studies.The evidence is insufficient to meet ACMG/AMP criteria for classifying the variant as benign or pathogenic. Thus, the clinical significance of this variant is currently uncertain.

Fulgent Genetics
Classification: Uncertain significance for Hepatocellular carcinoma; Papillary renal cell carcinoma type 1; Osteofibrous dysplasia; Autosomal recessive nonsyndromic hearing loss 97. Last evaluated: 2018-10-31. Review status: criteria provided, single submitter. Criteria: ACMG Guidelines, 2015. Collection method: clinical testing. Allele origin: unknown.

NM_000245.4(MET):c.762A>C (p.Glu254Asp)

Gene: MET (MET proto-oncogene, receptor tyrosine kinase; plus strand). Cytogenetic location: 7q31.2.
Variant type: single nucleotide variant.
Coding change: c.762A>C on transcript NM_000245.4 (MANE Select); coding-DNA position 762, A replaced by C.
Protein change: p.Glu254Asp; replaces glutamic acid 254 with aspartic acid.
Molecular consequence: missense variant. On other transcripts: intron variant (1).
Genome position (GRCh38, 1-based): chr7:116,699,846, A>C. VCF-style: chr7-116699846-A-C. GRCh37 (hg19) VCF-style: chr7-116339900-A-C.
Other names: c.762A>C, p.Glu254Asp (NM_001127500.3, NM_001324401.3); c.-91+27269A>C (NM_001324402.2); short protein forms E254D.
Identifiers: ClinVar variation 568449 (VCV000568449.27), dbSNP rs760278126, ClinGen allele CA4448024.